The following is an entry in ClinVar:

ClinVar aggregate classification (germline): Uncertain significance (1 of 4 stars; one submission).

Conditions:
RYR1-related disorder. Also called: RYR1-related disorders; RYR1-related condition. Identifiers: MedGen CN239331.

Submission:

Labcorp Genetics (formerly Invitae), Labcorp
Classification: Uncertain significance for RYR1-related disorder. Last evaluated: 2019-11-27. Review status: criteria provided, single submitter. Criteria: Invitae Variant Classification Sherloc (09022015). Collection method: clinical testing. Allele origin: germline.
Comment: In summary, the available evidence is currently insufficient to determine the role of this variant in disease. Therefore, it has been classified as a Variant of Uncertain Significance. This variant has not been reported in the literature in individuals with RYR1-related conditions. This variant results in a copy number gain of the genomic region encompassing exons 1-29 of the RYR1 gene, which includes the initiator codon. The 5' end of this event is unknown as it extends beyond the assayed region for this gene and therefore may encompass additional genes. The 3' boundary is likely confined to intron 29 of the RYR1 gene. As the precise location of this event is unknown, it may be in tandem or it may be located elsewhere in the genome.

NC_000019.10:g.(?_38433820)_(38475460_?)dup

Gene: RYR1 (ryanodine receptor 1; plus strand). Cytogenetic location: 19q13.2.
Variant type: Duplication.
Identifiers: ClinVar variation 830382 (VCV000830382.6).